The following is an entry in ClinVar:

NM_000218.3(KCNQ1):c.1333T>A (p.Cys445Ser)

Gene: KCNQ1 (potassium voltage-gated channel subfamily Q member 1; plus strand). Cytogenetic location: 11p15.5.
Variant type: single nucleotide variant.
Coding change: c.1333T>A on transcript NM_000218.3 (MANE Select); coding-DNA position 1333, T replaced by A.
Protein change: p.Cys445Ser; replaces cysteine 445 with serine.
Molecular consequence: missense variant.
Genome position (GRCh38, 1-based): chr11:2,588,794, T>A. VCF-style: chr11-2588794-T-A. GRCh37 (hg19) VCF-style: chr11-2610024-T-A.
Other names: c.1237T>A, p.Cys413Ser (NM_001406836.1); c.1063T>A, p.Cys355Ser (NM_001406837.1); c.793T>A, p.Cys265Ser (NM_001406838.1); c.952T>A, p.Cys318Ser (NM_181798.2); short protein forms C265S, C318S, C355S, C413S, C445S.
Identifiers: ClinVar variation 3386934 (VCV003386934.1).
Genomic context (GRCh38, chr11:2,588,794, plus strand): 5'-CTGGACAAAGACAATGGGGTGACTCCTGGAGAGAAGATGCTCACAGTCCCCCATATCACG[T>A]GCGACCCCCCAGAAGAGCGGCGGCTGGACCACTTCTCTGTCGACGGCTATGACAGTTCTG-3'
Protein context (NP_000209.2, residues 435-455): EKMLTVPHIT[Cys445Ser]DPPEERRLDH

ClinVar aggregate classification (germline): Uncertain significance (1 of 4 stars; one submission).

Conditions:
Long QT syndrome (LQTS). Identifiers: MedGen C0023976, MeSH D008133, MONDO:0002442. Disease mechanism: loss of function. Inheritance: Various modes of inheritance.

Submission:

All of Us Research Program, National Institutes of Health
Classification: Uncertain significance for Long QT syndrome. Last evaluated: 2024-07-20. Review status: criteria provided, single submitter. Criteria: ACMG Guidelines, 2015. Collection method: clinical testing. Allele origin: germline. Inheritance: Autosomal dominant inheritance. Observed: 1 variant allele, 1 heterozygote.
Comment: This missense variant replaces cysteine with serine at codon 445 of the KCNQ1 protein. Computational prediction is inconclusive regarding the impact of this variant on protein structure and function (internally defined REVEL score threshold 0.5 < inconclusive < 0.7, PMID: 27666373). To our knowledge, functional studies have not been reported for this variant. This variant has not been reported in individuals affected with KCNQ1-related disorders in the literature. This variant has not been identified in the general population by the Genome Aggregation Database (gnomAD). The available evidence is insufficient to determine the role of this variant in disease conclusively. Therefore, this variant is classified as a Variant of Uncertain Significance.

This study involves interpretation of variants in research participants for the purpose of population health screening. Participant phenotype was not available at the time of variant classification. Additional details can be found in publication PMID: 35346344, PMCID: PMC8962531